The following is an entry in ClinVar:

ClinVar aggregate classification (germline): Uncertain significance. Review status: criteria provided, multiple submitters, no conflicts (2 of 4 stars). 4 submissions from 4 submitters: Uncertain significance (4). Last evaluated 2026-06-09.

Conditions:
Inborn genetic diseases. Identifiers: MedGen C0950123, MeSH D030342.

Submissions (4):

Greenwood Genetic Center Diagnostic Laboratories, Greenwood Genetic Center
Classification: Uncertain significance. Last evaluated: 2026-06-09. Review status: criteria provided, single submitter. Criteria: ACMG Guidelines, 2015. Collection method: clinical testing. Allele origin: germline.
Comment: PM2, PM3_Supporting, PP2, PP3

Ambry Genetics
Classification: Uncertain significance for Inborn genetic diseases. Last evaluated: 2024-12-23. Review status: criteria provided, single submitter. Criteria: Ambry Variant Classification Scheme 2023. Collection method: clinical testing. Allele origin: germline.

GeneDx
Classification: Uncertain significance. Last evaluated: 2020-11-17. Review status: criteria provided, single submitter. Criteria: GeneDx Variant Classification Process June 2021. Collection method: clinical testing. Allele origin: germline. Affected: yes.
Comment: Not observed in large population cohorts (Lek et al., 2016); In silico analysis, which includes protein predictors and evolutionary conservation, supports a deleterious effect; Has not been previously published as pathogenic or benign to our knowledge

Labcorp Genetics (formerly Invitae), Labcorp
Classification: Uncertain significance. Last evaluated: 2017-12-21. Review status: criteria provided, single submitter. Criteria: Invitae Variant Classification Sherloc (09022015). Collection method: clinical testing. Allele origin: germline.
Comment: This sequence change replaces glutamic acid with alanine at codon 203 of the MFSD2A protein (p.Glu203Ala). The glutamic acid residue is highly conserved and there is a moderate physicochemical difference between glutamic acid and alanine. This variant is not present in population databases (ExAC no frequency). This variant has not been reported in the literature in individuals with MFSD2A-related disease. Algorithms developed to predict the effect of missense changes on protein structure and function (SIFT, PolyPhen-2, Align-GVGD) all suggest that this variant is likely to be disruptive, but these predictions have not been confirmed by published functional studies and their clinical significance is uncertain. In summary, the available evidence is currently insufficient to determine the role of this variant in disease. Therefore, it has been classified as a Variant of Uncertain Significance.

NM_032793.5(MFSD2A):c.569A>C (p.Glu190Ala)

Gene: MFSD2A (MFSD2 lysolipid transporter A, lysophospholipid; plus strand). Cytogenetic location: 1p34.2.
Variant type: single nucleotide variant.
Coding change: c.569A>C on transcript NM_032793.5 (MANE Select); coding-DNA position 569, A replaced by C.
Protein change: p.Glu190Ala; replaces glutamic acid 190 with alanine.
Molecular consequence: missense variant. On other transcripts: non-coding transcript variant (1).
Genome position (GRCh38, 1-based): chr1:39,965,869, A>C. VCF-style: chr1-39965869-A-C. GRCh37 (hg19) VCF-style: chr1-40431541-A-C.
Other names: c.608A>C, p.Glu203Ala (NM_001136493.3); c.101A>C, p.Glu34Ala (NM_001287808.2); c.458A>C, p.Glu153Ala (NM_001287809.2); c.563A>C, p.Glu188Ala (NM_001349821.2); c.569A>C, p.Glu190Ala (NM_001349822.2); c.224A>C, p.Glu75Ala (NM_001349823.2); c.608A>C (NM_001136493.1); short protein forms E153A, E188A, E190A, E203A, E34A, E75A.
Identifiers: ClinVar variation 1009046 (VCV001009046.12), dbSNP rs1645149915, ClinGen allele CA339835330.